The following is an entry in ClinVar:

NM_002691.4(POLD1):c.1384-13_1384-11dup

Gene: POLD1 (DNA polymerase delta 1, catalytic subunit; plus strand). Cytogenetic location: 19q13.33.
Variant type: Duplication.
Coding change: c.1384-13_1384-11dup on transcript NM_002691.4 (MANE Select); 13 bases into the intron before coding-DNA position 1384 through 11 bases into the intron before coding-DNA position 1384, 3 bases duplicated (CCC; older notation c.1384-13_1384-11dupCCC).
Molecular consequence: intron variant.
Genome position (GRCh38, 1-based): chr19:50,406,394-50,406,396, CCC duplicated. VCF-style (leftmost placement, unchanged base first): chr19-50406393-A-ACCC. GRCh37 (hg19) VCF-style: chr19-50909650-A-ACCC.
Other names: c.1384-13_1384-11dup (NM_001256849.1, NM_001308632.1).
Identifiers: ClinVar variation 2902614 (VCV002902614.4), dbSNP rs745951369, ClinGen allele CA9596131.

ClinVar aggregate classification (germline): Likely benign. Review status: criteria provided, multiple submitters, no conflicts (2 of 4 stars). 2 submissions from 2 submitters: Likely benign (2). Last evaluated 2025-09-04.

Conditions:
POLD1-related polyposis and colorectal cancer syndrome (CRCS10). Also called: Colorectal cancer 10; COLORECTAL CANCER, SUSCEPTIBILITY TO, ON CHROMOSOME 19q; Colorectal cancer, susceptibility to, 10. Identifiers: Orphanet 220460, MedGen C2675481, MONDO:0012953, OMIM 612591.

Allele frequency attached by ClinVar (database versions not stated): TOPMed below 0.00001.

Submissions (2):

Labcorp Genetics (formerly Invitae), Labcorp
Classification: Likely benign for POLD1-related polyposis and colorectal cancer syndrome. Last evaluated: 2025-09-04. Review status: criteria provided, single submitter. Criteria: Invitae Variant Classification Sherloc (09022015). Collection method: clinical testing. Allele origin: germline.

Myriad Genetics, Inc.
Classification: Likely benign for POLD1-related polyposis and colorectal cancer syndrome. Last evaluated: 2025-02-06. Review status: criteria provided, single submitter. Criteria: Myriad Autosomal Dominant, Autosomal Recessive and X-Linked Classification Criteria (2023). Collection method: clinical testing. Allele origin: unknown.
Comment: This variant is considered likely benign. This variant is intronic and is not expected to impact mRNA splicing.